The following is an entry in ClinVar:

NC_000023.10:g.(?_31854815)_(31950364_?)dup

Gene: DMD (dystrophin; minus strand). Cytogenetic location: Xp21.1.
Variant type: Duplication.
Identifiers: ClinVar variation 1453352 (VCV001453352.5).

ClinVar aggregate classification (germline): Pathogenic (1 of 4 stars; one submission).

Conditions:
Duchenne muscular dystrophy (DMD). Also called: Duchenne Muscular Dystrophy (DMD); MUSCULAR DYSTROPHY, PSEUDOHYPERTROPHIC PROGRESSIVE, DUCHENNE TYPE. Identifiers: Orphanet 98896, MedGen C0013264, MONDO:0010679, OMIM 310200.

Submission:

Labcorp Genetics (formerly Invitae), Labcorp
Classification: Pathogenic for Duchenne muscular dystrophy. Last evaluated: 2021-06-29. Review status: criteria provided, single submitter. Criteria: Invitae Variant Classification Sherloc (09022015). Collection method: clinical testing. Allele origin: germline.
Comment: For these reasons, this variant has been classified as Pathogenic. A similar copy number variant has been observed in individuals with Duchenne and/or Becker muscular dystrophy (PMID: 19074751, 31139960). This variant results in a copy number gain of the genomic region encompassing exon(s) 46-49 of the DMD gene. While the exact position of this variant cannot be determined from the data, sub-genic copy number gains are generally in tandem (PMID: 25640679). This variant is predicted to be out-of-frame, and may result in an absent or disrupted protein product. Loss-of-function variants in DMD are known to be pathogenic (PMID: 16770791, 25007885).

Literature cited by the submitters: PubMed 19074751; PubMed 31139960; PubMed 25640679; PubMed 16770791; PubMed 25007885.